The following is an entry in ClinVar:

ClinVar aggregate classification (germline): Uncertain significance (1 of 4 stars; one submission).

Conditions:
Bethlem myopathy 1A. Also called: Bethlem myopathy 1; Bethlem Muscular Dystrophy; MYOPATHY, BENIGN CONGENITAL, WITH CONTRACTURES. Identifiers: Orphanet 610, MedGen CN029274, MONDO:0024530, OMIM 158810.

Submission:

Labcorp Genetics (formerly Invitae), Labcorp
Classification: Uncertain significance for Bethlem myopathy 1A. Last evaluated: 2023-06-22. Review status: criteria provided, single submitter. Criteria: Invitae Variant Classification Sherloc (09022015). Collection method: clinical testing. Allele origin: germline.
Comment: In summary, the available evidence is currently insufficient to determine the role of this variant in disease. Therefore, it has been classified as a Variant of Uncertain Significance. Advanced modeling of protein sequence and biophysical properties (such as structural, functional, and spatial information, amino acid conservation, physicochemical variation, residue mobility, and thermodynamic stability) performed at Invitae indicates that this missense variant is not expected to disrupt COL6A3 protein function. This variant has not been reported in the literature in individuals affected with COL6A3-related conditions. This variant is not present in population databases (gnomAD no frequency). This sequence change replaces asparagine, which is neutral and polar, with serine, which is neutral and polar, at codon 3150 of the COL6A3 protein (p.Asn3150Ser).

NM_004369.4(COL6A3):c.9449A>G (p.Asn3150Ser)

Genes: COL6A3 (collagen type VI alpha 3 chain; minus strand), LOC126806573 (CDK7 strongly-dependent group 2 enhancer GRCh37_chr2:238233151-238234350; plus strand). Cytogenetic location: 2q37.3.
Variant type: single nucleotide variant.
Coding change: c.9449A>G on transcript NM_004369.4 (MANE Select); coding-DNA position 9449, A replaced by G.
Protein change: p.Asn3150Ser; replaces asparagine 3150 with serine.
Molecular consequence: missense variant.
Genome position (GRCh38, 1-based): chr2:237,325,604, T>C on the plus strand (A>G on the coding strand, the complement: COL6A3 is on the minus strand). VCF-style: chr2-237325604-T-C. GRCh37 (hg19) VCF-style: chr2-238234247-T-C.
Other names: c.7628A>G, p.Asn2543Ser (NM_057166.5); c.8831A>G, p.Asn2944Ser (NM_057167.4); short protein forms N3150S, N2543S, N2944S.
Identifiers: ClinVar variation 2720365 (VCV002720365.3), dbSNP rs1479582011, ClinGen allele CA351185419.